The following is an entry in ClinVar:

NM_001320.7(CSNK2B):c.286C>T (p.Gln96Ter)

Gene: CSNK2B (casein kinase 2 beta; plus strand). Cytogenetic location: 6p21.33.
Variant type: single nucleotide variant.
Coding change: c.286C>T on transcript NM_001320.7 (MANE Select); coding-DNA position 286, C replaced by T.
Protein change: p.Gln96Ter; replaces glutamine 96 with a stop codon.
Molecular consequence: nonsense.
Genome position (GRCh38, 1-based): chr6:31,668,649, C>T. VCF-style: chr6-31668649-C-T. GRCh37 (hg19) VCF-style: chr6-31636426-C-T.
Other names: c.286C>T, p.Gln96Ter (NM_001282385.2); short protein forms Q96*.
Identifiers: ClinVar variation 1712706 (VCV001712706.3), dbSNP rs2536963135, ClinGen allele CA363473679.

ClinVar aggregate classification (germline): Pathogenic (1 of 4 stars; one submission).

Submission:

GeneDx
Classification: Pathogenic. Last evaluated: 2023-07-05. Review status: criteria provided, single submitter. Criteria: GeneDx Variant Classification Process June 2021. Collection method: clinical testing. Allele origin: germline.
Comment: Nonsense variant predicted to result in protein truncation or nonsense mediated decay in a gene for which loss of function is a known mechanism of disease; Not observed in large population cohorts (gnomAD); This variant is associated with the following publications: (PMID: 35205321)